The following is an entry in ClinVar:

ClinVar aggregate classification (germline): Uncertain significance (1 of 4 stars; one submission).

Submission:

Labcorp Genetics (formerly Invitae), Labcorp
Classification: Uncertain significance. Last evaluated: 2022-08-23. Review status: criteria provided, single submitter. Criteria: Invitae Variant Classification Sherloc (09022015). Collection method: clinical testing. Allele origin: germline.
Comment: In summary, the available evidence is currently insufficient to determine the role of this variant in disease. Therefore, it has been classified as a Variant of Uncertain Significance. ClinVar contains an entry for this variant (Variation ID: 1438108). This variant has not been reported in the literature in individuals affected with HOXB13-related conditions. This variant is not present in population databases (gnomAD no frequency). This sequence change creates a premature translational stop signal (p.Lys218Asnfs*60) in the HOXB13 gene. While this is not anticipated to result in nonsense mediated decay, it is expected to disrupt the last 67 amino acid(s) of the HOXB13 protein.

NM_006361.6(HOXB13):c.654_657del (p.Lys218fs)

Gene: HOXB13 (homeobox B13; minus strand). Cytogenetic location: 17q21.32.
Variant type: Deletion.
Coding change: c.654_657del on transcript NM_006361.6 (MANE Select); coding-DNA positions 654 to 657, 4 bases deleted (GAAA; older notation c.654_657delGAAA).
Protein change: p.Lys218fs; shifts the reading frame from lysine 218.
Molecular consequence: frameshift variant.
Genome position (GRCh38, 1-based): chr17:48,726,988-48,726,991, TTTC deleted on the plus strand (GAAA on the coding strand, the reverse complement: HOXB13 is on the minus strand); deleting any 4 consecutive bases within chr17:48,726,988-48,726,993 gives the same sequence; the c. name uses the placement nearest the transcript's 3' end. VCF-style (leftmost placement, unchanged base first): chr17-48726987-GTTTC-G. GRCh37 (hg19) VCF-style: chr17-46804349-GTTTC-G.
Other names: short protein forms K218fs.
Identifiers: ClinVar variation 1438108 (VCV001438108.8), dbSNP rs2143067350, ClinGen allele CA2573154107.